The following is an entry in ClinVar:

NM_003072.5(SMARCA4):c.2145TGA[1] (p.Asp716del)

Gene: SMARCA4 (SWI/SNF related BAF chromatin remodeling complex subunit ATPase 4; plus strand). Cytogenetic location: 19p13.2.
Variant type: Microsatellite.
Coding change: c.2145TGA[1] on transcript NM_003072.5 (MANE Select); one copy of the 3-base unit TGA starting at c.2145; the reference has two copies in a row; one copy, 3 bases deleted.
Protein change: p.Asp716del; deletes aspartic acid 716.
Molecular consequence: non-coding transcript variant (on NR_164683.1).
Genome position (GRCh38, 1-based): chr19:11,010,405-11,010,407, TGA deleted; deleting any 3 consecutive bases within chr19:11,010,400-11,010,407 gives the same sequence; the position shown is the placement nearest the transcript's 3' end. VCF-style (leftmost placement, unchanged base first): chr19-11010399-CGAT-C. GRCh37 (hg19) VCF-style: chr19-11121075-CGAT-C.
Other names: c.2145TGA[1], p.Asp716del (NM_001128844.3, NM_001128845.2, NM_001128846.2 and 6 more transcripts); short protein forms D716del.
Identifiers: ClinVar variation 3724351 (VCV003724351.2).
Genomic context (GRCh38, chr19:11,010,399, plus strand): 5'-AGGAATGTGTGTCCTTACCCGGCACCTCCATCTCACTCCCAGGAATGCCAAGCAAGATGT[CGAT>C]GATGAATATGGCGTGTCCCAGGCCCTTGCACGTGGCCTGCAGTCCTACTATGCCGTGGCC-3'

ClinVar aggregate classification (germline): Uncertain significance (1 of 4 stars; one submission).

Conditions:
Rhabdoid tumor predisposition syndrome 2 (RTPS2). Identifiers: Orphanet 231108, Orphanet 69077, MedGen C2750074, MONDO:0013224, OMIM 613325.

Submission:

Labcorp Genetics (formerly Invitae), Labcorp
Classification: Uncertain significance for Rhabdoid tumor predisposition syndrome 2. Last evaluated: 2024-10-31. Review status: criteria provided, single submitter. Criteria: Invitae Variant Classification Sherloc (09022015). Collection method: clinical testing. Allele origin: germline.
Comment: This variant, c.2148_2150del, results in the deletion of 1 amino acid(s) of the SMARCA4 protein (p.Asp716del), but otherwise preserves the integrity of the reading frame. This variant is not present in population databases (gnomAD no frequency). This variant has not been reported in the literature in individuals affected with SMARCA4-related conditions. Experimental studies and prediction algorithms are not available or were not evaluated, and the functional significance of this variant is currently unknown. In summary, the available evidence is currently insufficient to determine the role of this variant in disease. Therefore, it has been classified as a Variant of Uncertain Significance.